The following is an entry in ClinVar:

ClinVar aggregate classification (germline): Pathogenic/Likely pathogenic. Review status: criteria provided, multiple submitters, no conflicts (2 of 4 stars). 3 submissions from 3 submitters: Pathogenic (2); Likely pathogenic (1). Last evaluated 2025-02-19.

Conditions:
Autosomal recessive hypophosphatemic bone disease (HHRH). Also called: Hypophosphatemic rickets with hypercalciuria; HYPERCALCIURIC RICKETS. Identifiers: Orphanet 157215, MedGen C1853271, MONDO:0009431, OMIM 241530.

Submissions (3):

GeneDx
Classification: Likely pathogenic. Last evaluated: 2025-02-19. Review status: criteria provided, single submitter. Criteria: GeneDx Variant Classification Process June 2021. Collection method: clinical testing. Allele origin: germline. Affected: yes.
Comment: Published functional studies suggest a damaging effect on phosphate uptake (PMID: 36596813); Frameshift variant predicted to result in abnormal protein length as the last 251 amino acids are replaced with 242 different amino acids, and other similar variants have been reported in HGMD; This variant is associated with the following publications: (PMID: 36596813, 22387237)

Labcorp Genetics (formerly Invitae), Labcorp
Classification: Pathogenic. Last evaluated: 2025-01-28. Review status: criteria provided, single submitter. Criteria: Invitae Variant Classification Sherloc (09022015). Collection method: clinical testing. Allele origin: germline.
Comment: This sequence change creates a premature translational stop signal (p.Val349Alafs*243) in the SLC34A3 gene. While this is not anticipated to result in nonsense mediated decay, it is expected to disrupt the last 251 amino acid(s) of the SLC34A3 protein. This variant is present in population databases (rs750178720, gnomAD 0.006%). This premature translational stop signal has been observed in individual(s) with hypophosphatemic rickets with hypercalciuria (PMID: 22387237). ClinVar contains an entry for this variant (Variation ID: 1459128). This variant disrupts a region of the SLC34A3 protein in which other variant(s) (p.Trp541*) have been determined to be pathogenic (PMID: 22387237, 29505567, 31440709). This suggests that this is a clinically significant region of the protein, and that variants that disrupt it are likely to be disease-causing. For these reasons, this variant has been classified as Pathogenic.

Fulgent Genetics
Classification: Pathogenic for Autosomal recessive hypophosphatemic bone disease. Last evaluated: 2024-04-02. Review status: criteria provided, single submitter. Criteria: ACMG Guidelines, 2015. Collection method: clinical testing. Allele origin: germline.

Literature cited by the submitters: PubMed 22387237 (cited by Labcorp Genetics (formerly Invitae), Labcorp); PubMed 29505567 (cited by Labcorp Genetics (formerly Invitae), Labcorp); PubMed 31440709 (cited by Labcorp Genetics (formerly Invitae), Labcorp).

NM_001177316.2(SLC34A3):c.1046_1047del (p.Val349fs)

Gene: SLC34A3 (solute carrier family 34 member 3; plus strand). Cytogenetic location: 9q34.3.
Variant type: Microsatellite.
Coding change: c.1046_1047del on transcript NM_001177316.2 (MANE Select); coding-DNA positions 1046 to 1047, 2 bases deleted (TG; older notation c.1046_1047delTG).
Protein change: p.Val349fs; shifts the reading frame from valine 349.
Molecular consequence: frameshift variant.
Genome position (GRCh38, 1-based): chr9:137,234,229-137,234,230, TG deleted; deleting any 2 consecutive bases within chr9:137,234,227-137,234,230 gives the same sequence; the c. name uses the placement nearest the transcript's 3' end. VCF-style (leftmost placement, unchanged base first): chr9-137234226-CTG-C. GRCh37 (hg19) VCF-style: chr9-140128678-CTG-C.
Other names: c.1046_1047del, p.Val349fs (NM_001177317.2, NM_080877.3); short protein forms V349fs.
Identifiers: ClinVar variation 1459128 (VCV001459128.12), dbSNP rs750178720, ClinGen allele CA5364734.
Genomic context (GRCh38, chr9:137,234,226, plus strand): 5'-TGGCCGGCTCCCTGCTGGTGCTCTGCGGCTGCCTGGTCCTCATAGTCAAGCTGCTCAACT[CTG>C]TGCTGCGCGGCCGCGTGGCCCAGGTCGTGAGGACAGTCATCAATGCGGGTGAGGGCGTGG-3'